The following is an entry in ClinVar:

ClinVar aggregate classification (germline): Conflicting classifications of pathogenicity. Review status: criteria provided, conflicting classifications (1 of 4 stars). 11 submissions from 11 submitters: Pathogenic (8); Likely pathogenic (2); Uncertain significance (1). Last evaluated 2026-07-28.

Conditions:
MYBPC3-related disorder. Also called: MYBPC3-related disorders; MYBPC3-related condition; MYBPC3-related disease.
Cardiovascular phenotype. Identifiers: MedGen CN230736.
Cardiomyopathy (CMYO). Also called: Cardiomyopathies. Identifiers: Orphanet 167848, MedGen C0878544, MONDO:0004994, HP:0001638. Inheritance: Various modes of inheritance.
Hypertrophic cardiomyopathy 4. Also called: Familial hypertrophic cardiomyopathy 4. Identifiers: MedGen C1861862, MONDO:0007268, OMIM 115197.
Hypertrophic cardiomyopathy. Also called: HYPERTROPHIC MYOCARDIOPATHY. Identifiers: Orphanet 217569, MedGen C0007194, MeSH D002312, MONDO:0005045, HP:0001639.

gnomAD v4.1: 8 of 1,613,486 alleles (0.0005%); highest among the groups gnomAD compares: Non-Finnish European, 0.00068%; no homozygotes.

Submissions (11):

Clinical Genetics Laboratory, Skane University Hospital Lund
Classification: Likely pathogenic for Hypertrophic cardiomyopathy. Last evaluated: 2026-07-28. Review status: criteria provided, single submitter. Criteria: ACMG Guidelines, 2015. Collection method: clinical testing. Allele origin: germline. Affected: yes.
Comment: The MYBPC3 (NM_000256.3) c.710A>C, p.(Tyr237Ser) variant is a nucleotide substitution in exon 6 of 35, resulting in the amino acid substitution described above. Functional studies of this variant have demonstrated a deleterious effect on protein function (PMID: 30611859). MYBPC3 c.710A>C has previously been observed at a low allele frequency in the general population and has been reported in the literature (PMIDs: 33673806, 35653365, 12818575, among others). The variant has also been reported as predominantly pathogenic in the ClinVar database (Accession: VCV000042787.30). The variant has been classified as likely pathogenic according to the gene-specific criteria outlined in the ClinGen Cardiomyopathy Expert Panel Specifications to the ACMG/AMP Variant Interpretation Guidelines for MYBPC3, Version 1.0, applying the following criteria: PS3_Supporting, PS4, PM2_Supporting, and PP3.

GeneDx
Classification: Pathogenic. Last evaluated: 2025-08-05. Review status: criteria provided, single submitter. Criteria: GeneDx Variant Classification Process June 2021. Collection method: clinical testing. Allele origin: germline. Affected: yes.
Comment: Observed in multiple unrelated patients with HCM referred for genetic testing at GeneDx and in published literature (PMID: 24111713, 12818575, 27532257, 33673806, 36264615, 37652022); Not observed at significant frequency in large population cohorts (gnomAD); In silico analysis supports that this missense variant has a deleterious effect on protein structure/function; This variant is associated with the following publications: (PMID: 15115610, 23527136, 12818575, 28679633, 27532257, 24111713, 30611859, 35653365, 33673806, 34542152, 36264615, 37652022, 19150014, 18258667)

Labcorp Genetics (formerly Invitae), Labcorp
Classification: Pathogenic for Hypertrophic cardiomyopathy. Last evaluated: 2025-04-24. Review status: criteria provided, single submitter. Criteria: Invitae Variant Classification Sherloc (09022015). Collection method: clinical testing. Allele origin: germline.
Comment: This sequence change replaces tyrosine, which is neutral and polar, with serine, which is neutral and polar, at codon 237 of the MYBPC3 protein (p.Tyr237Ser). This variant is not present in population databases (gnomAD no frequency). This missense change has been observed in individuals with hypertrophic cardiomyopathy (PMID: 12818575, 24111713, 27532257). ClinVar contains an entry for this variant (Variation ID: 42787). An algorithm developed to predict the effect of missense changes on protein structure and function (PolyPhen-2) suggests that this variant is likely to be disruptive. Experimental studies have shown that this missense change affects MYBPC3 function (PMID: 30611859). For these reasons, this variant has been classified as Pathogenic.

Clinical Genetics Laboratory, Region Ostergotland
Classification: Likely pathogenic for Hypertrophic cardiomyopathy 4. Last evaluated: 2025-03-12. Review status: criteria provided, single submitter. Criteria: ACMG Guidelines, 2015. Collection method: clinical testing. Allele origin: germline. Affected: yes.
Comment: PM2_sup, PP3_sup, PS3_mod (PMID: 30611859), PS4_sup (PMID:37652022), PP1_sup Classification according to ClinGen Cardiomyopathy Expert Panel Specifications to the ACMG/AMP Variant Interpretation Guidelines for MYBPC3 Version 1.0.0

Color Diagnostics, LLC DBA Color Health
Classification: Pathogenic for Cardiomyopathy. Last evaluated: 2024-09-16. Review status: criteria provided, single submitter. Criteria: ACMG Guidelines, 2015. Collection method: clinical testing. Allele origin: germline.
Comment: This missense variant replaces tyrosine with serine at codon 237 in the Ig-like domain C1 of the MYBPC3 protein. Computational prediction suggests that this variant may have a deleterious impact on protein structure and function. A functional study using a transgenic knock-in mouse model has shown that this variant causes normal protein expression, but with evidence of alteration in C1 domain interactions (PMID: 30611859). This variant has been reported in over 10 individuals affected with hypertrophic cardiomyopathy (PMID: 12818575, 24111713, 25351510, 25611685, 27532257, 28971120, 30297972, 32841044, 33495596, 33495597, 33673806, 37477868). It has been shown that this variant segregates with disease in multiple affected individuals across two families (ClinVar SCV000059314.5). This variant has not been identified in the general population by the Genome Aggregation Database (gnomAD). Based on the available evidence, this variant is classified as Pathogenic.

All of Us Research Program, National Institutes of Health
Classification: Pathogenic for Hypertrophic cardiomyopathy. Last evaluated: 2024-09-03. Review status: criteria provided, single submitter. Criteria: ACMG Guidelines, 2015. Collection method: clinical testing. Allele origin: germline. Inheritance: Autosomal dominant inheritance. Observed: 4 variant alleles, 4 heterozygotes.
Comment: The c.710A>C (p.Tyr237Ser) variant located on the exon 6 of MYBPC3 gene, is a missense variant replacing tyrosine with serine at codon 237 of the MYBPC3 protein. This variant has been reported in multiple unrelated individuals affected with hypertrophic cardiomyopathy (HCM) (PMID: 12818575, 25611685, 28971120, 33673806, 33495596, 24111713, 27532257). This variant has been shown to segregate with HCM in one family (PMID: 12818575). An in vitro functional study in mutant mice revealed hypercontractile behavior compared to wild type (PMID: 30611859). In silico studies demonstrated that this mutation may result in alterations in important intramolecular interactions, surface conformations, and electrostatic potential of the C1 domain of cMyBPC (PMID: 30611859). This variant is absent in the general population by the Genome Aggregation Database (gnomAD (v4.1.0)). Computational prediction tools suggest that this variant may impact protein structure and function (REVEL = 0.954). Therefore, the c.710A>C (p.Tyr237Ser) variant in MYBPC3 gene is interpreted as Pathogenic.

This study involves interpretation of variants in research participants for the purpose of population health screening. Participant phenotype was not available at the time of variant classification. Additional details can be found in publication PMID: 35346344, PMCID: PMC8962531

Blueprint Genetics
Classification: Pathogenic for MYBPC3-related disorders. Last evaluated: 2023-11-06. Review status: criteria provided, single submitter. Criteria: ACMG Guidelines, 2015. Collection method: clinical testing. Allele origin: germline. Affected: yes. Observed: 5 variant alleles.

Ambry Genetics
Classification: Pathogenic for Cardiovascular phenotype. Last evaluated: 2022-11-21. Review status: criteria provided, single submitter. Criteria: Ambry Variant Classification Scheme 2023. Collection method: clinical testing. Allele origin: germline.
Comment: The p.Y237S pathogenic mutation (also known as c.710A>C), located in coding exon 6 of the MYBPC3 gene, results from an A to C substitution at nucleotide position 710. The tyrosine at codon 237 is replaced by serine, an amino acid with dissimilar properties. This alteration has been detected in multiple individuals with hypertrophic cardiomyopathy (HCM) and has been reported to segregate with disease in several families (M&ouml;rner S et al. J. Mol. Cell. Cardiol., 2003 Jul;35:841-9; Berge KE et al. Clin. Genet., 2014 Oct;86:355-60; Lopes LR et al. Heart, 2015 Feb;101:294-301; Walsh R et al. Genet. Med., 2017 02;19:192-203; external communication; Ambry internal data). Functional studies performed in skinned myofibrils from an MYBPC3 knockout mouse virally transfected with Y237S suggest that this alteration accelerates contractile function; however, the clinical relevance of those results is unclear (Doh CY et al. Biochim Biophys Acta Mol Basis Dis, 2019 Mar;1865:661-677). This variant is considered to be rare based on population cohorts in the Genome Aggregation Database (gnomAD). This amino acid position is highly conserved in available vertebrate species. In addition, this alteration is predicted to be deleterious by in silico analysis. Based on the supporting evidence, this alteration is interpreted as a disease-causing mutation.

CHEO Genetics Diagnostic Laboratory, Children's Hospital of Eastern Ontario
Classification: Pathogenic for Cardiomyopathy. Last evaluated: 2021-07-23. Review status: criteria provided, single submitter. Criteria: ACMG Guidelines, 2015. Collection method: clinical testing. Allele origin: germline.

Laboratory for Molecular Medicine, Mass General Brigham Personalized Medicine
Classification: Pathogenic for Hypertrophic cardiomyopathy. Last evaluated: 2018-04-30. Review status: criteria provided, single submitter. Criteria: LMM Criteria. Collection method: clinical testing. Allele origin: germline. Inheritance: Autosomal dominant inheritance. Observed: 13 variant alleles.
Comment: The p.Tyr237Ser variant in MYBPC3 has been identified in at least 10 individuals with HCM and segregated with disease in 10 affected relatives, including 2 obli gate carriers, from 2 families (Morner 2003, Walsh 2017, GeneDx pers comm., LMM data). It has not been identified in large population studies. Computational pre diction tools and protein structural modeling suggest that the p.Tyr237Ser varia nt impacts the protein (Govada 2008). Additionally, other variants at this posit ion (p.Tyr237His and p.Tyr237Cys) have been reported in individuals with HCM, su ggesting that variation at this position is not tolerated (Waldmuller 2008, Garc ia-Castro 2009). In summary, the p.Tyr237Ser variant meets criteria to be classi fied as pathogenic for HCM in an autosomal dominant manner based on case observa tions, segregation studies, and absence from controls. ACMG/AMP criteria applied : PP1_VeryStrong, PM2, PS4_Moderate, PP3.

Stanford Center for Inherited Cardiovascular Disease, Stanford University
Classification: Uncertain significance. Last evaluated: 2012-01-12. Review status: criteria provided, single submitter. Criteria: ACMG Guidelines, 2015. Collection method: provider interpretation. Allele origin: germline.

Literature cited by the submitters: PubMed 30611859 (cited by 6 submitters); PubMed 12818575 (cited by 5 submitters); PubMed 24111713 (cited by 4 submitters); PubMed 27532257 (cited by 5 submitters); PubMed 37652022 (cited by Clinical Genetics Laboratory, Region Ostergotland); PubMed 25351510 (cited by Color Diagnostics, LLC DBA Color Health and Ambry Genetics); PubMed 25611685 (cited by Color Diagnostics, LLC DBA Color Health and All of Us Research Program, National Institutes of Health); PubMed 28971120 (cited by 3 submitters); PubMed 30297972 (cited by Color Diagnostics, LLC DBA Color Health and Ambry Genetics); PubMed 32841044 (cited by Color Diagnostics, LLC DBA Color Health); PubMed 33495596 (cited by Color Diagnostics, LLC DBA Color Health and All of Us Research Program, National Institutes of Health); PubMed 33495597 (cited by Color Diagnostics, LLC DBA Color Health); PubMed 33673806 (cited by Color Diagnostics, LLC DBA Color Health and All of Us Research Program, National Institutes of Health); PubMed 37477868 (cited by Color Diagnostics, LLC DBA Color Health); PubMed 28679633 (cited by Ambry Genetics and Laboratory for Molecular Medicine, Mass General Brigham Personalized Medicine); PubMed 18374358 (cited by Laboratory for Molecular Medicine, Mass General Brigham Personalized Medicine); PubMed 18258667 (cited by Laboratory for Molecular Medicine, Mass General Brigham Personalized Medicine); PubMed 19150014 (cited by Laboratory for Molecular Medicine, Mass General Brigham Personalized Medicine).

NM_000256.3(MYBPC3):c.710A>C (p.Tyr237Ser)

Gene: MYBPC3 (myosin binding protein C3; minus strand). Cytogenetic location: 11p11.2.
Variant type: single nucleotide variant.
Coding change: c.710A>C on transcript NM_000256.3 (MANE Select); coding-DNA position 710, A replaced by C.
Protein change: p.Tyr237Ser; replaces tyrosine 237 with serine.
Molecular consequence: missense variant.
Genome position (GRCh38, 1-based): chr11:47,348,486, T>G on the plus strand (A>C on the coding strand, the complement: MYBPC3 is on the minus strand). VCF-style: chr11-47348486-T-G. GRCh37 (hg19) VCF-style: chr11-47370037-T-G.
Other names: p.Y237S:TAC>TCC; short protein forms Y237S.
Identifiers: ClinVar variation 42787 (VCV000042787.33), dbSNP rs397516070, ClinGen allele CA015741.